The following is an entry in ClinVar:

NM_024665.7(TBL1XR1):c.754T>C (p.Trp252Arg)

Genes: TBL1XR1 (TBL1X/Y related 1; minus strand), TBL1XR1-AS1 (TBL1XR1 antisense RNA 1; plus strand). Cytogenetic location: 3q26.32.
Variant type: single nucleotide variant.
Coding change: c.754T>C on transcript NM_024665.7 (MANE Select); coding-DNA position 754, T replaced by C.
Protein change: p.Trp252Arg; replaces tryptophan 252 with arginine.
Molecular consequence: missense variant.
Genome position (GRCh38, 1-based): chr3:177,047,498, A>G on the plus strand (T>C on the coding strand, the complement: TBL1XR1 is on the minus strand). VCF-style: chr3-177047498-A-G. GRCh37 (hg19) VCF-style: chr3-176765286-A-G.
Other names: c.754T>C, p.Trp252Arg (NM_001321193.3, NM_001321194.3, NM_001374327.1 and 2 more transcripts); c.493T>C, p.Trp165Arg (NM_001321195.3, NM_001374330.1); short protein forms W252R, W165R.
Identifiers: ClinVar variation 422081 (VCV000422081.3), dbSNP rs1064795543, ClinGen allele CA16617845.

ClinVar aggregate classification (germline): Pathogenic (1 of 4 stars; one submission).

Submission:

GeneDx
Classification: Pathogenic. Last evaluated: 2025-04-13. Review status: criteria provided, single submitter. Criteria: GeneDx Variant Classification Process June 2021. Collection method: clinical testing. Allele origin: germline. Affected: yes.
Comment: Not observed at significant frequency in large population cohorts (gnomAD); In silico analysis supports that this missense variant has a deleterious effect on protein structure/function; This variant is associated with the following publications: (PMID: 33057194, 35468861, 35982160, 35982159)